The following is an entry in ClinVar:

ClinVar aggregate classification (germline): Pathogenic/Likely pathogenic. Review status: criteria provided, multiple submitters, no conflicts (2 of 4 stars). 7 submissions from 7 submitters: Pathogenic (5); Likely pathogenic (2). Last evaluated 2026-02-27.

Conditions:
Leukoencephalopathy with brain stem and spinal cord involvement-high lactate syndrome (LBSL). Also called: LEUKOENCEPHALOPATHY WITH BRAINSTEM AND SPINAL CORD INVOLVEMENT AND LACTATE ELEVATION, MILD; MITOCHONDRIAL ASPARTYL-tRNA SYNTHETASE DEFICIENCY; Leukoencephalopathy with Brainstem and Spinal Cord Involvement and Lactate Elevation. Identifiers: Orphanet 137898, MedGen C1970180, MONDO:0012622, OMIM 611105.

Submissions (7):

Laboratorio de Genetica e Diagnostico Molecular, Hospital Israelita Albert Einstein
Classification: Pathogenic for Leukoencephalopathy with brain stem and spinal cord involvement-high lactate syndrome. Last evaluated: 2026-02-27. Review status: criteria provided, single submitter. Criteria: ACMG Guidelines, 2015. Collection method: clinical testing. Allele origin: germline. Affected: yes.
Comment: ACMG classification criteria: PVS1 very strong, PM2 supporting, PM3 very strong, PP1 moderate

Broad Center for Mendelian Genomics, Broad Institute of MIT and Harvard
Classification: Likely pathogenic for Leukoencephalopathy with brain stem and spinal cord involvement-high lactate syndrome. Last evaluated: 2025-01-16. Review status: criteria provided, single submitter. Criteria: ACMG Guidelines, 2015. Collection method: curation. Allele origin: germline. Inheritance: Autosomal recessive inheritance.
Comment: The c.228-16C>A variant in DARS2 has been reported in >10 individuals with leukoencephalopathy with brain stem and spinal cord involvement-high lactate syndrome (PMID:17384640, 24566671, 34631948, 32571458, 34145886, 28017220, 23065766), and has been identified in 0.02% (11/67962) of African/African American chromosomes by the Genome Aggregation Database (gnomAD; dbSNP rs778731200). Although this variant has been seen in the general population in a heterozygous state, its frequency is not high enough to rule out a pathogenic role. This variant has also been reported in ClinVar (Variation ID: 1182591) and has been interpreted as Pathogenic by GeneDx and Mendelics and a Variant of uncertain significance by Invitae. Of the many affected individuals, 5 were compound heterozygotes that carried a reported variant of uncertain significance in trans, which increases the likelihood that the c.228-16C>A variant is pathogenic (PMID:24566671, 34631948, 34145886, 28017220). In vitro functional studies provide some evidence that the c.228-16C>A variant may impact protein function (PMID: 24566671). However, these types of assays may not accurately represent biological function. This variant is located in the intron 2 splice region. This region of DARS2 is an established mutational hotspot and most individuals with LBSL have variants in this region (PMID: 24566671). Variants that occur in this intron 2 splice region are known to be leaky, which may explain some variability in disease phenotype (PMID: 24566671). In summary, although additional studies are required to fully establish its clinical significance, this variant is likely pathogenic for autosomal recessive leukoencephalopathy with brain stem and spinal cord involvement-high lactate syndrome. ACMG/AMP Criteria applied: PM3_strong, PM1_supporting, PS3_moderate (Richards 2015).

Labcorp Genetics (formerly Invitae), Labcorp
Classification: Pathogenic. Last evaluated: 2024-12-09. Review status: criteria provided, single submitter. Criteria: Invitae Variant Classification Sherloc (09022015). Collection method: clinical testing. Allele origin: germline.
Comment: This sequence change falls in intron 2 of the DARS2 gene. It does not directly change the encoded amino acid sequence of the DARS2 protein. The frequency data for this variant in the population databases is considered unreliable, as metrics indicate poor data quality at this position in the gnomAD database. This variant has been observed in individual(s) with clinical features of leukoencephalopathy (PMID: 32571458, 34145886, 34631948; internal data). In at least one individual the data is consistent with being in trans (on the opposite chromosome) from a pathogenic variant. It has also been observed to segregate with disease in related individuals. ClinVar contains an entry for this variant (Variation ID: 1182591). Algorithms developed to predict the effect of sequence changes on RNA splicing suggest that this variant is not likely to affect RNA splicing. For these reasons, this variant has been classified as Pathogenic.

GeneDx
Classification: Pathogenic. Last evaluated: 2024-08-13. Review status: criteria provided, single submitter. Criteria: GeneDx Variant Classification Process June 2021. Collection method: clinical testing. Allele origin: germline. Affected: yes.
Comment: Not observed at significant frequency in large population cohorts (gnomAD); This variant is associated with the following publications: (PMID: 22456076, 24566671, 34631948, 31671122, 28017220, 20501884, 17384640, 23065766, 32571458, 35598585, 34145886, 36380532)

Mayo Clinic Laboratories, Mayo Clinic
Classification: Pathogenic. Last evaluated: 2024-06-10. Review status: criteria provided, single submitter. Criteria: ACMG Guidelines, 2015. Collection method: clinical testing. Allele origin: germline. Observed: 1 variant allele.
Comment: PP4, PM1, PM2, PM3_very_strong, PS1_moderate

Mendelics
Classification: Pathogenic for Leukoencephalopathy with brain stem and spinal cord involvement-high lactate syndrome. Last evaluated: 2022-05-04. Review status: criteria provided, single submitter. Criteria: Mendelics Assertion Criteria 2019. Collection method: clinical testing. Allele origin: germline.

Department of Neurology, Affiliated Hospital of Southwest Medical University
Classification: Likely pathogenic for Leukoencephalopathy with brain stem and spinal cord involvement-high lactate syndrome. Last evaluated: 2022-03-24. Review status: criteria provided, single submitter. Criteria: ACMG Guidelines, 2015. Collection method: clinical testing. Allele origin: germline. Inheritance: Autosomal recessive inheritance. Affected: yes. Observed: 1 compound heterozygote.
Comment: The NM_018122.5:c.228-16C>A is an intronic variant in DARS2 which is predicted to disrupt splicing and likely results in abnormal mRNA processing (PVS1_Moderate). The variant is not present in gnomAD (PM2; version 2.1.1). While functional studies to confirm the splicing impact are pending, the variant meets criteria to be classified as likely pathogenic for LBSL based on the ACMG/AMP criteria applied: PVS1_Moderate, PM3, PP4, PM2.

Literature cited by the submitters: PubMed 24566671 (cited by Broad Center for Mendelian Genomics, Broad Institute of MIT and Harvard and Mayo Clinic Laboratories, Mayo Clinic); PubMed 32571458 (cited by Labcorp Genetics (formerly Invitae), Labcorp and Mayo Clinic Laboratories, Mayo Clinic); PubMed 34145886 (cited by Labcorp Genetics (formerly Invitae), Labcorp and Mayo Clinic Laboratories, Mayo Clinic); PubMed 34631948 (cited by Labcorp Genetics (formerly Invitae), Labcorp and Mayo Clinic Laboratories, Mayo Clinic); PubMed 17384640 (cited by Mayo Clinic Laboratories, Mayo Clinic); PubMed 23065766 (cited by Mayo Clinic Laboratories, Mayo Clinic); PubMed 28017220 (cited by Mayo Clinic Laboratories, Mayo Clinic); PubMed 34484863 (cited by Mayo Clinic Laboratories, Mayo Clinic); PubMed 35598585 (cited by Mayo Clinic Laboratories, Mayo Clinic); PubMed 36380532 (cited by Mayo Clinic Laboratories, Mayo Clinic); PubMed 33977142 (cited by Department of Neurology, Affiliated Hospital of Southwest Medical University).

NM_018122.5(DARS2):c.228-16C>A

Gene: DARS2 (aspartyl-tRNA synthetase 2, mitochondrial; plus strand). Cytogenetic location: 1q25.1.
Variant type: single nucleotide variant.
Coding change: c.228-16C>A on transcript NM_018122.5 (MANE Select); 16 bases into the intron before coding-DNA position 228, C replaced by A.
Molecular consequence: intron variant.
Genome position (GRCh38, 1-based): chr1:173,828,317, C>A. VCF-style: chr1-173828317-C-A. GRCh37 (hg19) VCF-style: chr1-173797455-C-A.
Other names: p.?; c.228-16C>A (NM_001365212.1, NM_001365213.2).
Identifiers: ClinVar variation 1182591 (VCV001182591.14), dbSNP rs778731200, ClinGen allele CA1250060.